The following is an entry in ClinVar:

NM_001009944.3(PKD1):c.6398dup (p.Val2134fs)

Gene: PKD1 (polycystin 1, transient receptor potential channel interacting; minus strand). Cytogenetic location: 16p13.3.
Variant type: Duplication.
Coding change: c.6398dup on transcript NM_001009944.3 (MANE Select); coding-DNA position 6398, one base duplicated (T; older notation c.6398dupT).
Protein change: p.Val2134fs; shifts the reading frame from valine 2134.
Molecular consequence: frameshift variant.
Genome position (GRCh38, 1-based): chr16:2,108,769, A duplicated on the plus strand (T on the coding strand, the reverse complement: PKD1 is on the minus strand); the first of 2 consecutive A bases (chr16:2,108,769-2,108,770); duplicating either gives the same sequence. VCF-style (leftmost placement, unchanged base first): chr16-2108768-G-GA. GRCh37 (hg19) VCF-style: chr16-2158769-G-GA.
Other names: c.6398dupT (NM_001009944.2); c.6398dup, p.Val2134fs (NM_000296.4); short protein forms V2134fs.
Identifiers: ClinVar variation 503935 (VCV000503935.3), dbSNP rs1555454467, ClinGen allele CA658798515.

ClinVar aggregate classification (germline): Pathogenic (1 of 4 stars; one submission).

Submission:

GeneDx
Classification: Pathogenic. Last evaluated: 2019-07-18. Review status: criteria provided, single submitter. Criteria: GeneDx Variant Classification Process June 2021. Collection method: clinical testing. Allele origin: germline. Affected: yes.
Comment: Frameshift variant predicted to result in protein truncation or nonsense mediated decay in a gene for which loss-of-function is a known mechanism of disease; Not observed in large population cohorts (Lek et al., 2016); Has not been previously published as pathogenic or benign to our knowledge